The following is an entry in ClinVar:

ClinVar aggregate classification (germline): Conflicting classifications of pathogenicity. Review status: criteria provided, conflicting classifications (1 of 4 stars). 4 submissions from 4 submitters: Uncertain significance (3); Likely benign (1). Last evaluated 2026-01-13.

Conditions:
Hereditary cancer-predisposing syndrome. Also called: Hereditary neoplastic syndrome; Neoplastic Syndromes, Hereditary; Tumor predisposition; Hereditary Cancer Syndrome. Identifiers: Orphanet 140162, MedGen C0027672, MeSH D009386, MONDO:0015356.
Baller-Gerold syndrome (BGS). Also called: CRANIOSYNOSTOSIS WITH RADIAL DEFECTS. Identifiers: Orphanet 1225, MedGen C0265308, MONDO:0009039, OMIM 218600.

Allele frequency attached by ClinVar (database versions not stated): gnomAD 0.00005; TOPMed 0.00005; gnomAD exomes 0.00007 and 0.00008; ExAC 0.00008.
gnomAD v4.1: 117 of 1,610,024 alleles (0.0073%); highest among the groups gnomAD compares: East Asian, 0.06%; 2 homozygotes.

Submissions (4):

Labcorp Genetics (formerly Invitae), Labcorp
Classification: Uncertain significance for Baller-Gerold syndrome. Last evaluated: 2026-01-13. Review status: criteria provided, single submitter. Criteria: Invitae Variant Classification Sherloc (09022015). Collection method: clinical testing. Allele origin: germline.
Comment: This sequence change replaces arginine, which is basic and polar, with glutamine, which is neutral and polar, at codon 1004 of the RECQL4 protein (p.Arg1004Gln). This variant is present in population databases (rs750261857, gnomAD 0.03%), including at least one homozygous and/or hemizygous individual. This missense change has been observed in individual(s) with clinical features of RECQL4-related conditions. (PMID: 33057194). ClinVar contains an entry for this variant (Variation ID: 459447). Invitae Evidence Modeling of protein sequence and biophysical properties (such as structural, functional, and spatial information, amino acid conservation, physicochemical variation, residue mobility, and thermodynamic stability) indicates that this missense variant is not expected to disrupt RECQL4 protein function with a negative predictive value of 80%. In summary, the available evidence is currently insufficient to determine the role of this variant in disease. Therefore, it has been classified as a Variant of Uncertain Significance.

Mayo Clinic Laboratories, Mayo Clinic
Classification: Uncertain significance. Last evaluated: 2025-10-07. Review status: criteria provided, single submitter. Criteria: ACMG Guidelines, 2015. Collection method: clinical testing. Allele origin: germline. Observed: 1 variant allele.
Comment: BS2

Revvity Omics, Revvity
Classification: Uncertain significance. Last evaluated: 2023-06-09. Review status: criteria provided, single submitter. Criteria: ACMG Guidelines, 2015. Collection method: clinical testing. Allele origin: germline.

Sema4
Classification: Likely benign for Hereditary cancer-predisposing syndrome. Last evaluated: 2021-05-17. Review status: criteria provided, single submitter. Criteria: Sema4 Curation Guidelines. Collection method: curation. Allele origin: germline.

Literature cited by the submitters: PubMed 33057194 (cited by Labcorp Genetics (formerly Invitae), Labcorp and Mayo Clinic Laboratories, Mayo Clinic).

NM_004260.4(RECQL4):c.3011G>A (p.Arg1004Gln)

Gene: RECQL4 (RecQ like helicase 4; minus strand). Cytogenetic location: 8q24.3.
Variant type: single nucleotide variant.
Coding change: c.3011G>A on transcript NM_004260.4 (MANE Select); coding-DNA position 3011, G replaced by A.
Protein change: p.Arg1004Gln; replaces arginine 1004 with glutamine.
Molecular consequence: missense variant.
Genome position (GRCh38, 1-based): chr8:144,512,436, C>T on the plus strand (G>A on the coding strand, the complement: RECQL4 is on the minus strand). VCF-style: chr8-144512436-C-T. GRCh37 (hg19) VCF-style: chr8-145737819-C-T.
Other names: p.Arg1004Gln; short protein forms R1004Q.
Identifiers: ClinVar variation 459447 (VCV000459447.13), dbSNP rs750261857, ClinGen allele CA4947974.